The following is an entry in ClinVar:

ClinVar aggregate classification (germline): Uncertain significance (1 of 4 stars; one submission).

Submission:

Genetic Services Laboratory, University of Chicago
Classification: Uncertain significance. Last evaluated: 2024-01-22. Review status: criteria provided, single submitter. Criteria: ACMG Guidelines, 2015. Collection method: clinical testing. Allele origin: germline. Affected: no.
Comment: DNA sequence analysis of the GSN demonstrated a 50 base pair deletion in exon 1, c.72_121del. This sequence change results in an amino acid frameshift and creates a premature stop codon 70 amino acids downstream of the change, p.Val25Glyfs*70. This deletion does not appear to have been previously described in individuals with GSN-related disorders and has not been described in population databases such as ExAC and gnomAD. The functional significance of this sequence change is not known at present.

NM_198252.3(GSN):c.-9-2030_-9-1981del

Gene: GSN (gelsolin; plus strand). Cytogenetic location: 9q33.2.
Variant type: Deletion.
Coding change: c.-9-2030_-9-1981del on transcript NM_198252.3 (MANE Select); 2030 bases into the intron before 9 bases upstream of the start codon through 1981 bases into the intron before 9 bases upstream of the start codon, 50 bases deleted.
Molecular consequence: intron variant. On other transcripts: frameshift variant (1).
Genome position (GRCh38, 1-based): chr9:121,299,933-121,299,982, 50 bases deleted; deleting any 50 consecutive bases within chr9:121,299,931-121,299,982 gives the same sequence; the c. name uses the placement nearest the transcript's 3' end. GRCh37 (hg19): chr9:124,062,211-124,062,260.
Other names: c.-9-2030_-9-1981del (NM_001127665.2, NM_001127662.2, NM_001353062.1 and 5 more transcripts); c.-47-123_-47-74del (NM_001353069.2, NM_001353071.2, NM_001353076.2 and 8 more transcripts); c.-38-132_-38-83del (NM_001127667.2, NM_001353063.2, NM_001353073.2 and 2 more transcripts); c.-32-138_-32-89del (NM_001353070.2); c.-48-1991_-48-1942del (NM_001353055.2); c.-1-2038_-1-1989del (NM_001353057.2, NM_001353058.2, NM_001353059.2 and 1 more transcripts); c.-458-2978_-458-2929del (NM_001353078.2); c.43-2030_43-1981del (NM_001258029.2); and 3 more; short protein forms V25fs.
Identifiers: ClinVar variation 4082444 (VCV004082444.2).